The following is an entry in ClinVar:

ClinVar aggregate classification (germline): Uncertain significance (1 of 4 stars; one submission).

Conditions:
ACVRL1-related disorder. Also called: ACVRL1-related condition; ACVRL1-related disorders.

Submission:

PreventionGenetics, part of Exact Sciences
Classification: Uncertain significance for ACVRL1-related condition. Last evaluated: 2026-04-17. Review status: criteria provided, single submitter. Criteria: ACMG Guidelines, 2015. Collection method: clinical testing. Allele origin: germline.
Comment: The ACVRL1 c.521T>G variant is predicted to result in the amino acid substitution p.Leu174Trp. To our knowledge, this variant has not been reported in the literature or in a large population database (gnomAD), indicating this variant is rare. This variant is predicted to alter splicing based on available splicing prediction programs (SpliceAI, Jaganathan et al. 2019. PubMed ID: 30661751). However, the use of computer prediction programs is not equivalent to functional evidence. At this time, the clinical significance of this variant is uncertain due to the absence of conclusive functional and genetic evidence.

NM_000020.3(ACVRL1):c.521T>G (p.Leu174Trp)

Gene: ACVRL1 (activin A receptor like type 1; plus strand). Cytogenetic location: 12q13.13.
Variant type: single nucleotide variant.
Coding change: c.521T>G on transcript NM_000020.3 (MANE Select); coding-DNA position 521, T replaced by G.
Protein change: p.Leu174Trp; replaces leucine 174 with tryptophan.
Molecular consequence: missense variant. On other transcripts: intron variant (6).
Genome position (GRCh38, 1-based): chr12:51,913,766, T>G. VCF-style: chr12-51913766-T-G. GRCh37 (hg19) VCF-style: chr12-52307550-T-G.
Other names: c.521T>G, p.Leu174Trp (NM_001077401.2, NM_001406487.1, NM_001406488.1 and 1 more transcripts); c.313+416T>G (NM_001406491.1, NM_001406490.1, NM_001406492.1 and 2 more transcripts); c.62-673T>G (NM_001406495.1); short protein forms L174W.
Identifiers: ClinVar variation 4996142 (VCV004996142.1).